The following is an entry in ClinVar:

ClinVar aggregate classification (germline): Uncertain significance. Review status: criteria provided, multiple submitters, no conflicts (2 of 4 stars). 3 submissions from 3 submitters: Uncertain significance (3). Last evaluated 2025-08-07.

Conditions:
COL6A3-related disorder. Also called: COL6A3-related disorders; COL6A3-related condition.
Inborn genetic diseases. Identifiers: MedGen C0950123, MeSH D030342.

Allele frequency attached by ClinVar (database versions not stated): ExAC 0.00001.
gnomAD v4.1: 1 of 1,614,158 alleles (0.000062%); highest among the groups gnomAD compares: Non-Finnish European, 0.000085%; no homozygotes.

Submissions (3):

Ambry Genetics
Classification: Uncertain significance for Inborn genetic diseases. Last evaluated: 2025-08-07. Review status: criteria provided, single submitter. Criteria: Ambry Variant Classification Scheme 2023. Collection method: clinical testing. Allele origin: germline.

PreventionGenetics, part of Exact Sciences
Classification: Uncertain significance for COL6A3-related condition. Last evaluated: 2022-10-24. Review status: criteria provided, single submitter. Criteria: ACMG Guidelines, 2015. Collection method: clinical testing. Allele origin: germline.
Comment: The COL6A3 c.7927G>T variant is predicted to result in the amino acid substitution p.Ala2643Ser. To our knowledge, this variant has not been reported in the literature or in a large population database, indicating this variant is rare. At this time, the clinical significance of this variant is uncertain due to the absence of conclusive functional and genetic evidence.

Revvity Omics, Revvity
Classification: Uncertain significance. Last evaluated: 2022-03-28. Review status: criteria provided, single submitter. Criteria: ACMG Guidelines, 2015. Collection method: clinical testing. Allele origin: germline.

NM_004369.4(COL6A3):c.7927G>T (p.Ala2643Ser)

Gene: COL6A3 (collagen type VI alpha 3 chain; minus strand). Cytogenetic location: 2q37.3.
Variant type: single nucleotide variant.
Coding change: c.7927G>T on transcript NM_004369.4 (MANE Select); coding-DNA position 7927, G replaced by T.
Protein change: p.Ala2643Ser; replaces alanine 2643 with serine.
Molecular consequence: missense variant.
Genome position (GRCh38, 1-based): chr2:237,340,989, C>A on the plus strand (G>T on the coding strand, the complement: COL6A3 is on the minus strand). VCF-style: chr2-237340989-C-A. GRCh37 (hg19) VCF-style: chr2-238249632-C-A.
Other names: c.6106G>T, p.Ala2036Ser (NM_057166.5); c.7309G>T, p.Ala2437Ser (NM_057167.4); short protein forms A2036S, A2437S, A2643S.
Identifiers: ClinVar variation 2440470 (VCV002440470.5), dbSNP rs757801355, ClinGen allele CA2187656.